The following is an entry in ClinVar:

ClinVar aggregate classification (germline): Uncertain significance. Review status: criteria provided, multiple submitters, no conflicts (2 of 4 stars). 2 submissions from 2 submitters: Uncertain significance (2). Last evaluated 2023-08-04.

Allele frequency attached by ClinVar (database versions not stated): gnomAD exomes below 0.00001; TOPMed below 0.00001; ExAC 0.00001.

Submissions (2):

Labcorp Genetics (formerly Invitae), Labcorp
Classification: Uncertain significance. Last evaluated: 2023-08-04. Review status: criteria provided, single submitter. Criteria: Invitae Variant Classification Sherloc (09022015). Collection method: clinical testing. Allele origin: germline.
Comment: This sequence change falls in intron 30 of the MYO6 gene. It does not directly change the encoded amino acid sequence of the MYO6 protein. It affects a nucleotide within the consensus splice site. This variant is present in population databases (rs747051401, gnomAD 0.007%). This variant has not been reported in the literature in individuals affected with MYO6-related conditions. ClinVar contains an entry for this variant (Variation ID: 805078). Variants that disrupt the consensus splice site are a relatively common cause of aberrant splicing (PMID: 17576681, 9536098). Algorithms developed to predict the effect of sequence changes on RNA splicing suggest that this variant may create or strengthen a splice site. In summary, the available evidence is currently insufficient to determine the role of this variant in disease. Therefore, it has been classified as a Variant of Uncertain Significance.

Athena Diagnostics
Classification: Uncertain significance. Last evaluated: 2019-08-14. Review status: criteria provided, single submitter. Criteria: Athena Diagnostics Criteria. Collection method: clinical testing. Allele origin: germline.

Literature cited by the submitters: PubMed 17576681 (cited by Labcorp Genetics (formerly Invitae), Labcorp); PubMed 9536098 (cited by Labcorp Genetics (formerly Invitae), Labcorp).

NM_004999.4(MYO6):c.3177-3C>T

Gene: MYO6 (myosin VI; plus strand). Cytogenetic location: 6q14.1.
Variant type: single nucleotide variant.
Coding change: c.3177-3C>T on transcript NM_004999.4 (MANE Select); 3 bases into the intron before coding-DNA position 3177, C replaced by T.
Molecular consequence: intron variant.
Genome position (GRCh38, 1-based): chr6:75,907,602, C>T. VCF-style: chr6-75907602-C-T. GRCh37 (hg19) VCF-style: chr6-76617319-C-T.
Other names: c.3204-3C>T (NM_001368865.1, NM_001368866.1); c.3165-3C>T (NM_001368137.1); c.3108-3C>T (NM_001300899.2, NM_001368136.1); c.3093-3C>T (NM_001368138.1).
Identifiers: ClinVar variation 805078 (VCV000805078.4), dbSNP rs747051401, ClinGen allele CA3897629.